The following is an entry in ClinVar:

ClinVar aggregate classification (germline): Likely benign (0 of 4 stars; one submission).

Conditions:
UTP4-related disorder. Also called: UTP4-related condition.

Allele frequency attached by ClinVar (database versions not stated): gnomAD exomes below 0.00001; TOPMed below 0.00001.
gnomAD v4.1: 3 of 1,614,134 alleles (0.00019%); highest among the groups gnomAD compares: Non-Finnish European, 0.00017%; no homozygotes.

Submission:

PreventionGenetics, part of Exact Sciences
Classification: Likely benign for UTP4-related condition. Last evaluated: 2023-04-12. Review status: no assertion criteria provided. Collection method: clinical testing. Allele origin: germline.
Comment: This variant is classified as likely benign based on ACMG/AMP sequence variant interpretation guidelines (Richards et al. 2015 PMID: 25741868, with internal and published modifications).

NM_032830.3(UTP4):c.345A>G (p.Gln115=)

Gene: UTP4 (UTP4 small subunit processome component). Cytogenetic location: 16q22.1.
Variant type: single nucleotide variant.
Coding change: c.345A>G on transcript NM_032830.3 (MANE Select); coding-DNA position 345, A replaced by G.
Protein change: p.Gln115=; no amino-acid change (glutamine 115 retained).
Molecular consequence: synonymous variant.
Genome position (GRCh38, 1-based): chr16:69,136,881, A>G. VCF-style: chr16-69136881-A-G. GRCh37 (hg19) VCF-style: chr16-69170784-A-G.
Other names: c.96A>G, p.Gln32= (NM_001318391.2).
Identifiers: ClinVar variation 3050466 (VCV003050466.2), dbSNP rs941707024, ClinGen allele CA283332484.